The following is an entry in ClinVar:

ClinVar aggregate classification (germline): Uncertain significance (1 of 4 stars; one submission).

Submission:

GeneDx
Classification: Uncertain significance. Last evaluated: 2023-12-28. Review status: criteria provided, single submitter. Criteria: GeneDx Variant Classification Process June 2021. Collection method: clinical testing. Allele origin: germline. Affected: yes.
Comment: Not observed at significant frequency in large population cohorts (gnomAD); In silico analysis supports that this missense variant does not alter protein structure/function; Has not been previously published as pathogenic or benign to our knowledge

NM_015057.5(MYCBP2):c.693C>G (p.Asn231Lys)

Gene: MYCBP2 (MYC binding protein 2; minus strand). Cytogenetic location: 13q22.3.
Variant type: single nucleotide variant.
Coding change: c.693C>G on transcript NM_015057.5 (MANE Select); coding-DNA position 693, C replaced by G.
Protein change: p.Asn231Lys; replaces asparagine 231 with lysine.
Molecular consequence: missense variant.
Genome position (GRCh38, 1-based): chr13:77,278,813, G>C on the plus strand (C>G on the coding strand, the complement: MYCBP2 is on the minus strand). VCF-style: chr13-77278813-G-C. GRCh37 (hg19) VCF-style: chr13-77852948-G-C.
Other names: short protein forms N231K.
Identifiers: ClinVar variation 3367409 (VCV003367409.1).